The following is an entry in ClinVar:

ClinVar aggregate classification (germline): Uncertain significance (1 of 4 stars; one submission).

Submission:

CeGaT Center for Human Genetics Tuebingen
Classification: Uncertain significance. Last evaluated: 2026-10-01. Review status: criteria provided, single submitter. Criteria: CeGaT Center For Human Genetics Tuebingen Variant Classification Criteria Version 2. Collection method: clinical testing. Allele origin: germline. Affected: yes. Observed: 1 variant allele.
Comment: CACNA1A: PM2

NM_001127222.2(CACNA1A):c.2411A>G (p.Lys804Arg)

Gene: CACNA1A (calcium voltage-gated channel subunit alpha1 A; minus strand). Cytogenetic location: 19p13.13.
Variant type: single nucleotide variant.
Coding change: c.2411A>G on transcript NM_001127222.2 (MANE Select); coding-DNA position 2411, A replaced by G.
Protein change: p.Lys804Arg; replaces lysine 804 with arginine.
Molecular consequence: missense variant.
Genome position (GRCh38, 1-based): chr19:13,299,222, T>C on the plus strand (A>G on the coding strand, the complement: CACNA1A is on the minus strand). VCF-style: chr19-13299222-T-C. GRCh37 (hg19) VCF-style: chr19-13410036-T-C.
Other names: c.2423A>G, p.Lys808Arg (NM_000068.4, NM_023035.3); c.2414A>G, p.Lys805Arg (NM_001127221.2, NM_001174080.2); short protein forms K804R, K805R, K808R.
Identifiers: ClinVar variation 5041826 (VCV005041826.1).